The following is an entry in ClinVar:

ClinVar aggregate classification (germline): Uncertain significance. Review status: criteria provided, multiple submitters, no conflicts (2 of 4 stars). 3 submissions from 3 submitters: Uncertain significance (3). Last evaluated 2024-10-21.

Conditions:
Epilepsy, progressive myoclonic, 1B. Also called: PME. Identifiers: Orphanet 308, MedGen C2676254, MONDO:0012904, OMIM 612437.

Allele frequency attached by ClinVar (database versions not stated): TOPMed 0.00001; gnomAD exomes 0.00002 and 0.00005; ExAC 0.00006.
gnomAD v4.1: 12 of 1,614,072 alleles (0.00074%); highest among the groups gnomAD compares: Admixed American, 0.018%; no homozygotes.

Submissions (3):

Labcorp Genetics (formerly Invitae), Labcorp
Classification: Uncertain significance for Epilepsy, progressive myoclonic, 1B. Last evaluated: 2024-10-21. Review status: criteria provided, single submitter. Criteria: Invitae Variant Classification Sherloc (09022015). Collection method: clinical testing. Allele origin: germline.
Comment: This sequence change replaces methionine, which is neutral and non-polar, with valine, which is neutral and non-polar, at codon 415 of the PRICKLE1 protein (p.Met415Val). This variant is present in population databases (rs776720321, gnomAD 0.03%). This variant has not been reported in the literature in individuals affected with PRICKLE1-related conditions. ClinVar contains an entry for this variant (Variation ID: 419289). Invitae Evidence Modeling of protein sequence and biophysical properties (such as structural, functional, and spatial information, amino acid conservation, physicochemical variation, residue mobility, and thermodynamic stability) has been performed for this missense variant. However, the output from this modeling did not meet the statistical confidence thresholds required to predict the impact of this variant on PRICKLE1 protein function. In summary, the available evidence is currently insufficient to determine the role of this variant in disease. Therefore, it has been classified as a Variant of Uncertain Significance.

GeneDx
Classification: Uncertain significance. Last evaluated: 2018-01-11. Review status: criteria provided, single submitter. Criteria: GeneDx Variant Classification (06012015). Collection method: clinical testing. Allele origin: germline. Affected: yes.
Comment: A variant of uncertain significance has been identified in the PRICKLE1 gene. The M415V variant has not been published as a pathogenic variant, nor has it been reported as a benign variant to our knowledge. The M415V variant is observed in 6/11570 (0.05%) alleles from individuals of Latino background (Lek et al., 2016; 1000 Genomes Consortium et al., 2015; Exome Variant Server). The M415V variant is a conservative amino acid substitution, which is not likely to impact secondary protein structure as these residues share similar properties. This substitution occurs at a position where amino acids with similar properties to Methionine are tolerated across species. In silico analysis is inconsistent in its predictions as to whether or not the variant is damaging to the protein structure/function. Therefore, based on the currently available information, it is unclear whether this variant is a pathogenic variant or a rare benign variant.

Ambry Genetics
Classification: Uncertain significance. Last evaluated: 2016-10-21. Review status: criteria provided, single submitter. Criteria: Ambry Variant Classification Scheme 2023. Collection method: clinical testing. Allele origin: germline.
Comment: The p.M415V variant (also known as c.1243A>G), located in coding exon 6 of the PRICKLE1 gene, results from an A to G substitution at nucleotide position 1243. The methionine at codon 415 is replaced by valine, an amino acid with highly similar properties. This variant was not reported in population based cohorts in the following databases: Database of Single Nucleotide Polymorphisms (dbSNP), NHLBI Exome Sequencing Project (ESP), and 1000 Genomes Project. In the ESP, this variant was not observed in 6503 samples (13006 alleles) with coverage at this position. This amino acid position is highly conserved in available vertebrate species. In addition, the in silico prediction for this alteration is inconclusive. Since supporting evidence is limited at this time, the clinical significance of this variant remains unclear.

NM_153026.3(PRICKLE1):c.1243A>G (p.Met415Val)

Genes: PRICKLE1 (prickle planar cell polarity protein 1; minus strand), LOC126861509 (BRD4-independent group 4 enhancer GRCh37_chr12:42858567-42859766; plus strand). Cytogenetic location: 12q12.
Variant type: single nucleotide variant.
Coding change: c.1243A>G on transcript NM_153026.3 (MANE Select); coding-DNA position 1243, A replaced by G.
Protein change: p.Met415Val; replaces methionine 415 with valine.
Molecular consequence: missense variant.
Genome position (GRCh38, 1-based): chr12:42,464,791, T>C on the plus strand (A>G on the coding strand, the complement: PRICKLE1 is on the minus strand). VCF-style: chr12-42464791-T-C. GRCh37 (hg19) VCF-style: chr12-42858593-T-C.
Other names: c.1243A>G, p.Met415Val (NM_001144881.2, NM_001144882.2, NM_001144883.2); short protein forms M415V.
Identifiers: ClinVar variation 419289 (VCV000419289.14), dbSNP rs776720321, ClinGen allele CA6519782.